The following is an entry in ClinVar:

ClinVar aggregate classification (germline): Likely benign (1 of 4 stars; one submission).

Allele frequency attached by ClinVar (database versions not stated): 1000 Genomes Project 30x 0.00156; 1000 Genomes Project 0.00180; ESP Exome Variant Server 0.00269; gnomAD 0.00358; TOPMed 0.00441.
gnomAD v4.1: 5,786 of 1,613,470 alleles (0.36%); highest among the groups gnomAD compares: Middle Eastern, 1.2%; 30 homozygotes.

Submission:

CeGaT Center for Human Genetics Tuebingen
Classification: Likely benign. Last evaluated: 2022-12-01. Review status: criteria provided, single submitter. Criteria: CeGaT Center For Human Genetics Tuebingen Variant Classification Criteria Version 2. Collection method: clinical testing. Allele origin: germline. Affected: yes. Observed: 1 variant allele.
Comment: PIF1: BP4, BP7, BS2

NM_001286496.2(PIF1):c.1602C>T (p.Thr534=)

Gene: PIF1 (PIF1 5'-to-3' DNA helicase; minus strand). Cytogenetic location: 15q22.31.
Variant type: single nucleotide variant.
Coding change: c.1602C>T on transcript NM_001286496.2 (MANE Select); coding-DNA position 1602, C replaced by T.
Protein change: p.Thr534=; no amino-acid change (threonine 534 retained).
Molecular consequence: synonymous variant.
Genome position (GRCh38, 1-based): chr15:64,818,018, G>A on the plus strand (C>T on the coding strand, the complement: PIF1 is on the minus strand). VCF-style: chr15-64818018-G-A. GRCh37 (hg19) VCF-style: chr15-65110217-G-A.
Other names: c.1602C>T, p.Thr534= (NM_001286497.2, NM_025049.4); c.1443C>T, p.Thr481= (NM_001286499.2).
Identifiers: ClinVar variation 2645444 (VCV002645444.24), dbSNP rs148690720, ClinGen allele CA7611286.